The following is an entry in ClinVar:

ClinVar aggregate classification (germline): Uncertain significance (1 of 4 stars; one submission).

Conditions:
Episodic ataxia type 2 (EA2). Also called: ATAXIA, EPISODIC, WITH NYSTAGMUS; ATAXIA, FAMILIAL PAROXYSMAL; CEREBELLAR ATAXIA, PAROXYSMAL, ACETAZOLAMIDE-RESPONSIVE; CEREBELLOPATHY, HEREDITARY PAROXYSMAL; ACETAZOLAMIDE-RESPONSIVE HEREDITARY PAROXYSMAL CEREBELLAR ATAXIA; EPISODIC ATAXIA, NYSTAGMUS-ASSOCIATED. Identifiers: Orphanet 97, MedGen C1720416, MONDO:0007163, OMIM 108500.
Developmental and epileptic encephalopathy, 42 (DEE42A). Also called: Epileptic encephalopathy, early infantile, 42; DEVELOPMENTAL AND EPILEPTIC ENCEPHALOPATHY 42A; EPILEPTIC ENCEPHALOPATHY, EARLY INFANTILE, 42A. Identifiers: MedGen C4310716, MONDO:0014917, OMIM 617106.

Allele frequency attached by ClinVar (database versions not stated): gnomAD exomes below 0.00001.
gnomAD v4.1: 1 of 1,609,930 alleles (0.000062%); highest among the groups gnomAD compares: Non-Finnish European, 0.000085%; no homozygotes.

Submission:

Labcorp Genetics (formerly Invitae), Labcorp
Classification: Uncertain significance for Developmental and epileptic encephalopathy, 42; Episodic ataxia type 2. Last evaluated: 2022-08-12. Review status: criteria provided, single submitter. Criteria: Invitae Variant Classification Sherloc (09022015). Collection method: clinical testing. Allele origin: germline.
Comment: This sequence change replaces threonine, which is neutral and polar, with serine, which is neutral and polar, at codon 1452 of the CACNA1A protein (p.Thr1452Ser). In summary, the available evidence is currently insufficient to determine the role of this variant in disease. Therefore, it has been classified as a Variant of Uncertain Significance. Advanced modeling of protein sequence and biophysical properties (such as structural, functional, and spatial information, amino acid conservation, physicochemical variation, residue mobility, and thermodynamic stability) performed at Invitae indicates that this missense variant is expected to disrupt CACNA1A protein function. This variant has not been reported in the literature in individuals affected with CACNA1A-related conditions. This variant is not present in population databases (gnomAD no frequency).

NM_001127222.2(CACNA1A):c.4352C>G (p.Thr1451Ser)

Gene: CACNA1A (calcium voltage-gated channel subunit alpha1 A; minus strand). Cytogenetic location: 19p13.13.
Variant type: single nucleotide variant.
Coding change: c.4352C>G on transcript NM_001127222.2 (MANE Select); coding-DNA position 4352, C replaced by G.
Protein change: p.Thr1451Ser; replaces threonine 1451 with serine.
Molecular consequence: missense variant.
Genome position (GRCh38, 1-based): chr19:13,259,600, G>C on the plus strand (C>G on the coding strand, the complement: CACNA1A is on the minus strand). VCF-style: chr19-13259600-G-C. GRCh37 (hg19) VCF-style: chr19-13370414-G-C.
Other names: c.4364C>G, p.Thr1455Ser (NM_000068.4, NM_023035.3); c.4355C>G, p.Thr1452Ser (NM_001127221.2, NM_001174080.2); short protein forms T1451S, T1455S, T1452S.
Identifiers: ClinVar variation 2023806 (VCV002023806.4), dbSNP rs2512751420, ClinGen allele CA404339272.